The following is an entry in ClinVar:

ClinVar aggregate classification (germline): Uncertain significance (1 of 4 stars; one submission).

Allele frequency attached by ClinVar (database versions not stated): gnomAD 0.00001; TOPMed 0.00002.

Submission:

Labcorp Genetics (formerly Invitae), Labcorp
Classification: Uncertain significance. Last evaluated: 2022-03-10. Review status: criteria provided, single submitter. Criteria: Invitae Variant Classification Sherloc (09022015). Collection method: clinical testing. Allele origin: germline.
Comment: This sequence change replaces glycine, which is neutral and non-polar, with valine, which is neutral and non-polar, at codon 235 of the DTHD1 protein (p.Gly235Val). This variant is not present in population databases (gnomAD no frequency). In summary, the available evidence is currently insufficient to determine the role of this variant in disease. Therefore, it has been classified as a Variant of Uncertain Significance. Algorithms developed to predict the effect of missense changes on protein structure and function output the following: SIFT: "Deleterious"; PolyPhen-2: "Benign"; Align-GVGD: "Class C0". The valine amino acid residue is found in multiple mammalian species, which suggests that this missense change does not adversely affect protein function. ClinVar contains an entry for this variant (Variation ID: 859148). This variant has not been reported in the literature in individuals affected with DTHD1-related conditions.

NM_001170700.3(DTHD1):c.1574G>T (p.Gly525Val)

Gene: DTHD1 (death domain containing 1; plus strand). Cytogenetic location: 4p14.
Variant type: single nucleotide variant.
Coding change: c.1574G>T on transcript NM_001170700.3 (MANE Select); coding-DNA position 1574, G replaced by T.
Protein change: p.Gly525Val; replaces glycine 525 with valine.
Molecular consequence: missense variant. On other transcripts: non-coding transcript variant (2).
Genome position (GRCh38, 1-based): chr4:36,294,970, G>T. VCF-style: chr4-36294970-G-T. GRCh37 (hg19) VCF-style: chr4-36296592-G-T.
Other names: c.704G>T, p.Gly235Val (NM_001136536.5); c.641G>T, p.Gly214Val (NM_001378435.1); short protein forms G214V, G235V, G525V.
Identifiers: ClinVar variation 859148 (VCV000859148.9), dbSNP rs767042064, ClinGen allele CA95771973.